The following is an entry in ClinVar:

ClinVar aggregate classification (germline): Uncertain significance (1 of 4 stars; one submission).

Conditions:
Immunodeficiency 14 (IMD14A). Also called: ACTIVATED PI3K-DELTA SYNDROME 1; Activated PI3K Delta Syndrome Type 1 (APDS1); p110-DELTA-ACTIVATING MUTATION CAUSING SENESCENT T CELLS, LYMPHADENOPATHY, AND IMMUNODEFICIENCY; IMMUNODEFICIENCY 14A WITH LYMPHOPROLIFERATION, AUTOSOMAL DOMINANT. Identifiers: Orphanet 397596, Orphanet 693661, MedGen C5907821, MONDO:0014222, OMIM 615513.

Allele frequency attached by ClinVar (database versions not stated): gnomAD exomes below 0.00001.
gnomAD v4.1: 2 of 1,614,102 alleles (0.00012%); highest among the groups gnomAD compares: Non-Finnish European, 0.00017%; no homozygotes.

Submission:

Labcorp Genetics (formerly Invitae), Labcorp
Classification: Uncertain significance for Activated PI3K-delta syndrome. Last evaluated: 2022-06-05. Review status: criteria provided, single submitter. Criteria: Invitae Variant Classification Sherloc (09022015). Collection method: clinical testing. Allele origin: germline.
Comment: This sequence change replaces aspartic acid, which is acidic and polar, with asparagine, which is neutral and polar, at codon 336 of the PIK3CD protein (p.Asp336Asn). This variant is not present in population databases (gnomAD no frequency). This variant has not been reported in the literature in individuals affected with PIK3CD-related conditions. ClinVar contains an entry for this variant (Variation ID: 1464970). Algorithms developed to predict the effect of missense changes on protein structure and function are either unavailable or do not agree on the potential impact of this missense change (SIFT: "Tolerated"; PolyPhen-2: "Possibly Damaging"; Align-GVGD: "Class C0"). In summary, the available evidence is currently insufficient to determine the role of this variant in disease. Therefore, it has been classified as a Variant of Uncertain Significance.

NM_005026.5(PIK3CD):c.1006G>A (p.Asp336Asn)

Gene: PIK3CD (phosphatidylinositol-4,5-bisphosphate 3-kinase catalytic subunit delta; plus strand). Cytogenetic location: 1p36.22.
Variant type: single nucleotide variant.
Coding change: c.1006G>A on transcript NM_005026.5 (MANE Select); coding-DNA position 1006, G replaced by A.
Protein change: p.Asp336Asn; replaces aspartic acid 336 with asparagine.
Molecular consequence: missense variant.
Genome position (GRCh38, 1-based): chr1:9,717,612, G>A. VCF-style: chr1-9717612-G-A. GRCh37 (hg19) VCF-style: chr1-9777670-G-A.
Other names: c.1006G>A, p.Asp336Asn (NM_001350234.2); c.919G>A, p.Asp307Asn (NM_001350235.1); short protein forms D307N, D336N.
Identifiers: ClinVar variation 1464970 (VCV001464970.6), dbSNP rs760642664, ClinGen allele CA17776694.
Genomic context (GRCh38, chr1:9,717,612, plus strand): 5'-CTGTGGTCCCTGGAGCAGCCGTTCCGCATCGAGCTCATCCAGGGCAGCAAAGTGAACGCC[G>A]ACGAGCGGATGAAGGTGGGGCTCCTGGGATAGGTGGGAGAGACACTGTTTTTTTGCACAA-3'
Protein context (NP_005017.3, residues 326-346): ELIQGSKVNA[Asp336Asn]ERMKLVVQAG